The following is an entry in ClinVar:

NM_001394062.1(MACF1):c.22445G>A (p.Arg7482Gln)

Gene: MACF1 (microtubule actin crosslinking factor 1; plus strand). Cytogenetic location: 1p34.3.
Variant type: single nucleotide variant.
Coding change: c.22445G>A on transcript NM_001394062.1 (MANE Select); coding-DNA position 22445, G replaced by A.
Protein change: p.Arg7482Gln; replaces arginine 7482 with glutamine.
Molecular consequence: missense variant.
Genome position (GRCh38, 1-based): chr1:39,485,571, G>A. VCF-style: chr1-39485571-G-A. GRCh37 (hg19) VCF-style: chr1-39951243-G-A.
Other names: c.10325G>A, p.Arg3442Gln (NM_001397473.1); c.16070G>A, p.Arg5357Gln (NM_012090.5); short protein forms R3442Q, R5357Q, R7482Q.
Identifiers: ClinVar variation 2200706 (VCV002200706.30), dbSNP rs77696779, ClinGen allele CA784923.
Genomic context (GRCh38, chr1:39,485,571, plus strand): 5'-GTCTGCTGTTTTATTCTTGAATTCCAGACCCTAAAAAGTCTGCCAGTCGCCCTGGGAGTC[G>A]GGCTGGGAGTCGAGCCGGGAGTCGAGCCAGCAGCCGGCGAGGAAGTGACGCTTCTGACTT-3'
Protein context (NP_001380991.1, residues 7472-7492): PKKSASRPGS[Arg7482Gln]AGSRAGSRAS

ClinVar aggregate classification (germline): Benign/Likely benign. Review status: criteria provided, multiple submitters, no conflicts (2 of 4 stars). 4 submissions from 4 submitters: Benign (2); Likely benign (1). 1 of the submissions does not count toward it. Last evaluated 2026-01-15.

Conditions:
MACF1-related disorder. Also called: MACF1-related condition.

Allele frequency attached by ClinVar (database versions not stated): ESP Exome Variant Server 0.00023; gnomAD 0.00041; gnomAD exomes 0.00043; TOPMed 0.00051; ExAC 0.00092; 1000 Genomes Project 30x 0.00187; 1000 Genomes Project 0.00200.
gnomAD v4.1: 723 of 1,613,684 alleles (0.045%); highest among the groups gnomAD compares: East Asian, 0.86%; 3 homozygotes.

Submissions (4):

Labcorp Genetics (formerly Invitae), Labcorp
Classification: Benign. Last evaluated: 2026-01-15. Review status: criteria provided, single submitter. Criteria: Invitae Variant Classification Sherloc (09022015). Collection method: clinical testing. Allele origin: germline.

CeGaT Center for Human Genetics Tuebingen
Classification: Benign. Last evaluated: 2025-06-01. Review status: criteria provided, single submitter. Criteria: CeGaT Center For Human Genetics Tuebingen Variant Classification Criteria Version 2. Collection method: clinical testing. Allele origin: germline. Affected: yes. Observed: 2 variant alleles.
Comment: MACF1: BS1, BS2

Blueprint Genetics
Classification: Likely benign. Last evaluated: 2024-10-23. Review status: criteria provided, single submitter. Criteria: ACMG Guidelines, 2015. Collection method: clinical testing. Allele origin: germline.

PreventionGenetics, part of Exact Sciences
Classification: Likely benign for MACF1-related condition. Last evaluated: 2023-02-13. Review status: no assertion criteria provided. Collection method: clinical testing. Allele origin: germline. Not counted in ClinVar's aggregate classification.
Comment: This variant is classified as likely benign based on ACMG/AMP sequence variant interpretation guidelines (Richards et al. 2015 PMID: 25741868, with internal and published modifications).